The following is an entry in ClinVar:

NM_015062.5(PPRC1):c.2501C>G (p.Pro834Arg)

Gene: PPRC1 (PPARG related coactivator 1; plus strand). Cytogenetic location: 10q24.32.
Variant type: single nucleotide variant.
Coding change: c.2501C>G on transcript NM_015062.5 (MANE Select); coding-DNA position 2501, C replaced by G.
Protein change: p.Pro834Arg; replaces proline 834 with arginine.
Molecular consequence: missense variant.
Genome position (GRCh38, 1-based): chr10:102,141,009, C>G. VCF-style: chr10-102141009-C-G. GRCh37 (hg19) VCF-style: chr10-103900766-C-G.
Other names: c.2501C>G, p.Pro834Arg (NM_001288727.2); c.2141C>G, p.Pro714Arg (NM_001288728.2); short protein forms P714R, P834R.
Identifiers: ClinVar variation 3055463 (VCV003055463.2), dbSNP rs17855877, ClinGen allele CA5661033.

ClinVar aggregate classification (germline): Likely benign (0 of 4 stars; one submission).

Conditions:
PPRC1-related disorder. Also called: PPRC1-related condition.

Allele frequency attached by ClinVar (database versions not stated): 1000 Genomes Project 30x 0.00047; 1000 Genomes Project 0.00060; ExAC 0.00192; gnomAD 0.00203; TOPMed 0.00223; gnomAD exomes 0.00262; ESP Exome Variant Server 0.00284.
gnomAD v4.1: 4,146 of 1,614,146 alleles (0.26%); highest among the groups gnomAD compares: Middle Eastern, 1.1%; 7 homozygotes.

Submission:

PreventionGenetics, part of Exact Sciences
Classification: Likely benign for PPRC1-related condition. Last evaluated: 2019-06-13. Review status: no assertion criteria provided. Collection method: clinical testing. Allele origin: germline.
Comment: This variant is classified as likely benign based on ACMG/AMP sequence variant interpretation guidelines (Richards et al. 2015 PMID: 25741868, with internal and published modifications).